The following is an entry in ClinVar:

ClinVar aggregate classification (germline): Uncertain significance (1 of 4 stars; one submission).

Allele frequency attached by ClinVar (database versions not stated): gnomAD exomes 0.00001; TOPMed 0.00002; ExAC 0.00003; ESP Exome Variant Server 0.00008.
gnomAD v4.1: 18 of 1,612,062 alleles (0.0011%); highest among the groups gnomAD compares: Non-Finnish European, 0.0015%; no homozygotes.

Submission:

Labcorp Genetics (formerly Invitae), Labcorp
Classification: Uncertain significance. Last evaluated: 2025-12-08. Review status: criteria provided, single submitter. Criteria: Invitae Variant Classification Sherloc (09022015). Collection method: clinical testing. Allele origin: germline.
Comment: This sequence change replaces cysteine, which is neutral and slightly polar, with tyrosine, which is neutral and polar, at codon 930 of the LRPPRC protein (p.Cys930Tyr). This variant is present in population databases (rs367744976, gnomAD 0.004%). This variant has not been reported in the literature in individuals affected with LRPPRC-related conditions. ClinVar contains an entry for this variant (Variation ID: 1910933). Invitae Evidence Modeling of protein sequence and biophysical properties (such as structural, functional, and spatial information, amino acid conservation, physicochemical variation, residue mobility, and thermodynamic stability) indicates that this missense variant is not expected to disrupt LRPPRC protein function with a negative predictive value of 80%. In summary, the available evidence is currently insufficient to determine the role of this variant in disease. Therefore, it has been classified as a Variant of Uncertain Significance.

NM_133259.4(LRPPRC):c.2789G>A (p.Cys930Tyr)

Gene: LRPPRC (leucine rich pentatricopeptide repeat containing; minus strand). Cytogenetic location: 2p21.
Variant type: single nucleotide variant.
Coding change: c.2789G>A on transcript NM_133259.4 (MANE Select); coding-DNA position 2789, G replaced by A.
Protein change: p.Cys930Tyr; replaces cysteine 930 with tyrosine.
Molecular consequence: missense variant.
Genome position (GRCh38, 1-based): chr2:43,925,909, C>T on the plus strand (G>A on the coding strand, the complement: LRPPRC is on the minus strand). VCF-style: chr2-43925909-C-T. GRCh37 (hg19) VCF-style: chr2-44153048-C-T.
Other names: short protein forms C930Y.
Identifiers: ClinVar variation 1910933 (VCV001910933.3), dbSNP rs367744976, ClinGen allele CA1638327.